The following is an entry in ClinVar:

NM_033109.5(PNPT1):c.1823-8C>T

Gene: PNPT1 (polyribonucleotide nucleotidyltransferase 1; minus strand). Cytogenetic location: 2p16.1.
Variant type: single nucleotide variant.
Coding change: c.1823-8C>T on transcript NM_033109.5 (MANE Select); 8 bases into the intron before coding-DNA position 1823, C replaced by T.
Molecular consequence: intron variant.
Genome position (GRCh38, 1-based): chr2:55,644,728, G>A on the plus strand (C>T on the coding strand, the complement: PNPT1 is on the minus strand). VCF-style: chr2-55644728-G-A. GRCh37 (hg19) VCF-style: chr2-55871863-G-A.
Identifiers: ClinVar variation 777947 (VCV000777947.11), dbSNP rs376112902, ClinGen allele CA1667912.

ClinVar aggregate classification (germline): Likely benign. Review status: criteria provided, multiple submitters, no conflicts (2 of 4 stars). 3 submissions from 3 submitters: Likely benign (2). 1 of the submissions does not count toward it. Last evaluated 2026-05-29.

Conditions:
PNPT1-related disorder. Also called: PNPT1-related disorders; PNPT1-related condition.

Allele frequency attached by ClinVar (database versions not stated): gnomAD 0.00005; ExAC 0.00006; gnomAD exomes 0.00006; TOPMed 0.00007; ESP Exome Variant Server 0.00015.
gnomAD v4.1: 125 of 1,590,062 alleles (0.0079%); highest among the groups gnomAD compares: Non-Finnish European, 0.0097%; no homozygotes.

Submissions (3):

Women's Health and Genetics/Laboratory Corporation of America, LabCorp
Classification: Likely benign. Last evaluated: 2026-05-29. Review status: criteria provided, single submitter. Criteria: LabCorp Variant Classification Summary - May 2015. Collection method: clinical testing. Allele origin: germline.

Labcorp Genetics (formerly Invitae), Labcorp
Classification: Likely benign. Last evaluated: 2025-12-11. Review status: criteria provided, single submitter. Criteria: Invitae Variant Classification Sherloc (09022015). Collection method: clinical testing. Allele origin: germline.

PreventionGenetics, part of Exact Sciences
Classification: Likely benign for PNPT1-related condition. Last evaluated: 2019-03-19. Review status: no assertion criteria provided. Collection method: clinical testing. Allele origin: germline. Not counted in ClinVar's aggregate classification.
Comment: This variant is classified as likely benign based on ACMG/AMP sequence variant interpretation guidelines (Richards et al. 2015 PMID: 25741868, with internal and published modifications).